The following is an entry in ClinVar:

ClinVar aggregate classification (germline): Uncertain significance (1 of 4 stars; one submission).

Conditions:
Cardiovascular phenotype. Identifiers: MedGen CN230736.

gnomAD v4.1: 1 of 1,611,854 alleles (0.000062%); highest among the groups gnomAD compares: Non-Finnish European, 0.000085%; no homozygotes.

Submission:

Ambry Genetics
Classification: Uncertain significance for Cardiovascular phenotype. Last evaluated: 2026-06-21. Review status: criteria provided, single submitter. Criteria: Ambry Variant Classification Scheme 2023. Collection method: clinical testing. Allele origin: germline.
Comment: The p.N477S variant (also known as c.1430A>G), located in coding exon 10 of the LMF1 gene, results from an A to G substitution at nucleotide position 1430. The asparagine at codon 477 is replaced by serine, an amino acid with highly similar properties. This amino acid position is conserved. In addition, this alteration is predicted to be tolerated by in silico analysis. Based on the available evidence, the clinical significance of this variant remains unclear.

NM_022773.4(LMF1):c.1430A>G (p.Asn477Ser)

Gene: LMF1 (lipase maturation factor 1; minus strand). Cytogenetic location: 16p13.3.
Variant type: single nucleotide variant.
Coding change: c.1430A>G on transcript NM_022773.4 (MANE Select); coding-DNA position 1430, A replaced by G.
Protein change: p.Asn477Ser; replaces asparagine 477 with serine.
Molecular consequence: missense variant. On other transcripts: synonymous variant (1), non-coding transcript variant (1).
Genome position (GRCh38, 1-based): chr16:869,043, T>C on the plus strand (A>G on the coding strand, the complement: LMF1 is on the minus strand). VCF-style: chr16-869043-T-C. GRCh37 (hg19) VCF-style: chr16-919043-T-C.
Other names: c.779A>G, p.Asn260Ser (NM_001352017.2, NM_001352021.2); c.1031A>G, p.Asn344Ser (NM_001352018.2); c.1103A>G, p.Asn368Ser (NM_001352019.2); c.1350A>G, p.Gln450= (NM_001352020.1); short protein forms N344S, N477S, N368S, N260S.
Identifiers: ClinVar variation 5023598 (VCV005023598.1).